The following is an entry in ClinVar:

ClinVar aggregate classification (germline): Benign (1 of 4 stars; one submission).

Conditions:
Autosomal recessive omodysplasia (OMOD1). Also called: MICROMELIC DYSPLASIA, CONGENITAL, WITH DISLOCATION OF RADIUS. Identifiers: Orphanet 2733, Orphanet 93329, MedGen C1850318, MONDO:0009779, OMIM 258315.

Allele frequency attached by ClinVar (database versions not stated): gnomAD 0.01960 and 0.02098; TOPMed 0.02262; 1000 Genomes Project 0.02276; 1000 Genomes Project 30x 0.02405.

Submission:

Illumina Laboratory Services, Illumina
Classification: Benign for Autosomal recessive omodysplasia. Last evaluated: 2018-01-13. Review status: criteria provided, single submitter. Criteria: ICSL Variant Classification Criteria 13 December 2019. Collection method: clinical testing. Allele origin: germline.
Comment: This variant was observed in the ICSL laboratory as part of a predisposition screen in an ostensibly healthy population. It had not been previously curated by ICSL or reported in the Human Gene Mutation Database (HGMD: prior to June 1st, 2018), and was therefore a candidate for classification through an automated scoring system. Utilizing variant allele frequency, disease prevalence and penetrance estimates, and inheritance mode, an automated score was calculated to assess if this variant is too frequent to cause the disease. Based on the score and internal cut-off values, a variant classified as benign is not then subjected to further curation. The score for this variant resulted in a classification of benign for this disease.

NM_005708.5(GPC6):c.*2407A>T

Gene: GPC6 (glypican 6; plus strand). Cytogenetic location: 13q32.1.
Variant type: single nucleotide variant.
Coding change: c.*2407A>T on transcript NM_005708.5 (MANE Select); 2407 bases downstream of the stop codon, A replaced by T.
Molecular consequence: 3 prime UTR variant.
Genome position (GRCh38, 1-based): chr13:94,405,624, A>T. VCF-style: chr13-94405624-A-T. GRCh37 (hg19) VCF-style: chr13-95057878-A-T.
Identifiers: ClinVar variation 312592 (VCV000312592.5), dbSNP rs73553865, ClinGen allele CA10644906.